The following is an entry in ClinVar:

ClinVar aggregate classification (germline): Uncertain significance (1 of 4 stars; one submission).

Conditions:
MYOC-related disorder. Also called: MYOC-related disorders; MYOC-related condition. Identifiers: MedGen CN239330.

Submission:

PreventionGenetics, part of Exact Sciences
Classification: Uncertain significance for MYOC-related condition. Last evaluated: 2024-10-17. Review status: criteria provided, single submitter. Criteria: ACMG Guidelines, 2015. Collection method: clinical testing. Allele origin: germline.
Comment: The MYOC c.964C>G variant is predicted to result in the amino acid substitution p.Leu322Val. To our knowledge, this variant has not been reported in the literature or in a large population database (gnomAD), indicating this variant is rare. At this time, the clinical significance of this variant is uncertain due to the absence of conclusive functional and genetic evidence.

NM_000261.2(MYOC):c.964C>G (p.Leu322Val)

Gene: MYOC (myocilin; minus strand). Cytogenetic location: 1q24.3.
Variant type: single nucleotide variant.
Coding change: c.964C>G on transcript NM_000261.2 (MANE Select); coding-DNA position 964, C replaced by G.
Protein change: p.Leu322Val; replaces leucine 322 with valine.
Molecular consequence: missense variant.
Genome position (GRCh38, 1-based): chr1:171,636,476, G>C on the plus strand (C>G on the coding strand, the complement: MYOC is on the minus strand). VCF-style: chr1-171636476-G-C. GRCh37 (hg19) VCF-style: chr1-171605616-G-C.
Other names: short protein forms L322V.
Identifiers: ClinVar variation 5001665 (VCV005001665.1).